The following is an entry in ClinVar:

NM_000275.3(OCA2):c.1612A>G (p.Asn538Asp)

Gene: OCA2 (OCA2 melanosomal transmembrane protein; minus strand). Cytogenetic location: 15q13.1.
Variant type: single nucleotide variant.
Coding change: c.1612A>G on transcript NM_000275.3 (MANE Select); coding-DNA position 1612, A replaced by G.
Protein change: p.Asn538Asp; replaces asparagine 538 with aspartic acid.
Molecular consequence: missense variant.
Genome position (GRCh38, 1-based): chr15:27,966,714, T>C on the plus strand (A>G on the coding strand, the complement: OCA2 is on the minus strand). VCF-style: chr15-27966714-T-C. GRCh37 (hg19) VCF-style: chr15-28211860-T-C.
Other names: c.1540A>G, p.Asn514Asp (NM_001300984.2); short protein forms N514D, N538D.
Identifiers: ClinVar variation 1483651 (VCV001483651.6), dbSNP rs1304719929, ClinGen allele CA391357001.

ClinVar aggregate classification (germline): Uncertain significance (1 of 4 stars; one submission).

Allele frequency attached by ClinVar (database versions not stated): gnomAD exomes below 0.00001.

Submission:

Labcorp Genetics (formerly Invitae), Labcorp
Classification: Uncertain significance. Last evaluated: 2025-04-14. Review status: criteria provided, single submitter. Criteria: Invitae Variant Classification Sherloc (09022015). Collection method: clinical testing. Allele origin: germline.
Comment: This sequence change replaces asparagine, which is neutral and polar, with aspartic acid, which is acidic and polar, at codon 538 of the OCA2 protein (p.Asn538Asp). This variant is present in population databases (no rsID available, gnomAD 0.0009%). This variant has not been reported in the literature in individuals affected with OCA2-related conditions. ClinVar contains an entry for this variant (Variation ID: 1483651). Invitae Evidence Modeling of protein sequence and biophysical properties (such as structural, functional, and spatial information, amino acid conservation, physicochemical variation, residue mobility, and thermodynamic stability) indicates that this missense variant is not expected to disrupt OCA2 protein function with a negative predictive value of 80%. In summary, the available evidence is currently insufficient to determine the role of this variant in disease. Therefore, it has been classified as a Variant of Uncertain Significance.